The following is an entry in ClinVar:

NM_001613.4(ACTA2):c.42T>C (p.Asn14=)

Gene: ACTA2 (actin alpha 2, smooth muscle; minus strand). Cytogenetic location: 10q23.31.
Variant type: single nucleotide variant.
Coding change: c.42T>C on transcript NM_001613.4 (MANE Select); coding-DNA position 42, T replaced by C.
Protein change: p.Asn14=; no amino-acid change (asparagine 14 retained).
Molecular consequence: synonymous variant.
Genome position (GRCh38, 1-based): chr10:88,948,889, A>G on the plus strand (T>C on the coding strand, the complement: ACTA2 is on the minus strand). VCF-style: chr10-88948889-A-G. GRCh37 (hg19) VCF-style: chr10-90708646-A-G.
Other names: c.42T>C, p.Asn14= (NM_001141945.3, NM_001320855.2, NM_001406462.1 and 7 more transcripts).
Identifiers: ClinVar variation 3075040 (VCV003075040.1), dbSNP rs1846001109, ClinGen allele CA470736987.
Genomic context (GRCh38, chr10:88,948,889, plus strand): 5'-TGGGAAAACAGCCCTGGGAGCATCGTCCCCAGCAAAGCCGGCCTTACAGAGCCCAGAGCC[A>G]TTGTCACACACCAAGGCAGTGCTGTCCTCTTCTTCACACATAGCTGGAGCTGCTTCACAG-3'
Protein context (NP_001604.1, residues 4-24): EEDSTALVCD[Asn14=]GSGLCKAGFA

ClinVar aggregate classification (germline): Likely benign (1 of 4 stars; one submission).

Conditions:
Familial thoracic aortic aneurysm and aortic dissection (TAAD). Also called: Thoracic aortic aneurysms and dissections. Identifiers: Orphanet 91387, MedGen C4707243, MONDO:0019625.

Allele frequency attached by ClinVar (database versions not stated): TOPMed below 0.00001.

Submission:

All of Us Research Program, National Institutes of Health
Classification: Likely benign for Familial thoracic aortic aneurysm and aortic dissection. Last evaluated: 2023-12-18. Review status: criteria provided, single submitter. Criteria: ACMG Guidelines, 2015. Collection method: clinical testing. Allele origin: germline. Inheritance: Autosomal dominant inheritance. Observed: 1 variant allele, 1 heterozygote.
Comment: This study involves interpretation of variants in research participants for the purpose of population health screening. Participant phenotype was not available at the time of variant classification. Additional details can be found in publication PMID: 35346344, PMCID: PMC8962531